The following is an entry in ClinVar:

ClinVar aggregate classification (germline): Uncertain significance (1 of 4 stars; one submission).

Submission:

CeGaT Center for Human Genetics Tuebingen
Classification: Uncertain significance. Last evaluated: 2026-08-01. Review status: criteria provided, single submitter. Criteria: CeGaT Center For Human Genetics Tuebingen Variant Classification Criteria Version 2. Collection method: clinical testing. Allele origin: germline. Affected: yes. Observed: 1 variant allele.
Comment: MME: PM2, BP4

NM_007289.4(MME):c.1144A>G (p.Ser382Gly)

Gene: MME (membrane metalloendopeptidase; plus strand). Cytogenetic location: 3q25.2.
Variant type: single nucleotide variant.
Coding change: c.1144A>G on transcript NM_007289.4 (MANE Select); coding-DNA position 1144, A replaced by G.
Protein change: p.Ser382Gly; replaces serine 382 with glycine.
Molecular consequence: missense variant.
Genome position (GRCh38, 1-based): chr3:155,142,286, A>G. VCF-style: chr3-155142286-A-G. GRCh37 (hg19) VCF-style: chr3-154860075-A-G.
Other names: c.1144A>G, p.Ser382Gly (NM_000902.5, NM_001354642.2, NM_001354643.1 and 2 more transcripts); short protein forms S382G.
Identifiers: ClinVar variation 5040491 (VCV005040491.1).